The following is an entry in ClinVar:

NM_001127208.3(TET2):c.4011T>A (p.Tyr1337Ter)

Genes: TET2-AS1 (TET2 antisense RNA 1; minus strand), TET2 (tet methylcytosine dioxygenase 2; plus strand). Cytogenetic location: 4q24.
Variant type: single nucleotide variant.
Coding change: c.4011T>A on transcript NM_001127208.3 (MANE Select); coding-DNA position 4011, T replaced by A.
Protein change: p.Tyr1337Ter; replaces tyrosine 1337 with a stop codon.
Molecular consequence: nonsense.
Genome position (GRCh38, 1-based): chr4:105,261,815, T>A. VCF-style: chr4-105261815-T-A. GRCh37 (hg19) VCF-style: chr4-106182972-T-A.
Other names: short protein forms Y1337*.
Identifiers: ClinVar variation 4772713 (VCV004772713.1).

ClinVar aggregate classification (germline): Pathogenic (1 of 4 stars; one submission).

Submission:

Labcorp Genetics (formerly Invitae), Labcorp
Classification: Pathogenic. Last evaluated: 2025-06-09. Review status: criteria provided, single submitter. Criteria: Invitae Variant Classification Sherloc (09022015). Collection method: clinical testing. Allele origin: germline.
Comment: This sequence change creates a premature translational stop signal (p.Tyr1337*) in the TET2 gene. It is expected to result in an absent or disrupted protein product. Loss-of-function variants in TET2 are known to be pathogenic (PMID: 36066697). This variant is not present in population databases (gnomAD no frequency). This variant has not been reported in the literature in individuals affected with TET2-related conditions. For these reasons, this variant has been classified as Pathogenic.

Literature cited by the submitters: PubMed 36066697.